The following is an entry in ClinVar:

NM_005732.4(RAD50):c.75C>G (p.Ile25Met)

Gene: RAD50 (RAD50 double strand break repair protein; plus strand). Cytogenetic location: 5q31.1.
Variant type: single nucleotide variant.
Coding change: c.75C>G on transcript NM_005732.4 (MANE Select); coding-DNA position 75, C replaced by G.
Protein change: p.Ile25Met; replaces isoleucine 25 with methionine.
Molecular consequence: missense variant.
Genome position (GRCh38, 1-based): chr5:132,557,399, C>G. VCF-style: chr5-132557399-C-G. GRCh37 (hg19) VCF-style: chr5-131893091-C-G.
Other names: short protein forms I25M.
Identifiers: ClinVar variation 1759724 (VCV001759724.2), dbSNP rs765892279, ClinGen allele CA360951426.

ClinVar aggregate classification (germline): Uncertain significance (1 of 4 stars; one submission).

Conditions:
Hereditary cancer-predisposing syndrome. Also called: Neoplastic Syndromes, Hereditary; Tumor predisposition; Hereditary Cancer Syndrome; Hereditary neoplastic syndrome. Identifiers: Orphanet 140162, MedGen C0027672, MeSH D009386, MONDO:0015356.

Submission:

Ambry Genetics
Classification: Uncertain significance for Hereditary cancer-predisposing syndrome. Last evaluated: 2022-06-27. Review status: criteria provided, single submitter. Criteria: Ambry Variant Classification Scheme 2023. Collection method: clinical testing. Allele origin: germline.
Comment: The p.I25M variant (also known as c.75C>G), located in coding exon 1 of the RAD50 gene, results from a C to G substitution at nucleotide position 75. The isoleucine at codon 25 is replaced by methionine, an amino acid with highly similar properties. This amino acid position is conserved. In addition, the in silico prediction for this alteration is inconclusive. Since supporting evidence is limited at this time, the clinical significance of this alteration remains unclear.